The following is an entry in ClinVar:

NM_000059.4(BRCA2):c.2240A>C (p.Glu747Ala)

Gene: BRCA2 (BRCA2 DNA repair associated; plus strand). Cytogenetic location: 13q13.1.
Variant type: single nucleotide variant.
Coding change: c.2240A>C on transcript NM_000059.4 (MANE Select); coding-DNA position 2240, A replaced by C.
Protein change: p.Glu747Ala; replaces glutamic acid 747 with alanine.
Molecular consequence: missense variant.
Genome position (GRCh38, 1-based): chr13:32,336,595, A>C. VCF-style: chr13-32336595-A-C. GRCh37 (hg19) VCF-style: chr13-32910732-A-C.
Other names: short protein forms E747A.
Identifiers: ClinVar variation 479301 (VCV000479301.11), dbSNP rs397507283, ClinGen allele CA387770814.

ClinVar aggregate classification (germline): Conflicting classifications of pathogenicity. Review status: criteria provided, conflicting classifications (1 of 4 stars). 3 submissions from 3 submitters: Uncertain significance (2); Likely benign (1). Last evaluated 2023-03-23.

Conditions:
Hereditary breast ovarian cancer syndrome. Also called: Hereditary breast and ovarian cancer syndrome (HBOC); Hereditary breast and ovarian cancer syndrome; Breast and ovarian cancer; BRCA1- and BRCA2-Associated Hereditary Breast and Ovarian Cancer; Hereditary breast and ovarian cancer; Hereditary breast and/or ovarian cancer syndrome. Identifiers: Orphanet 145, MedGen C0677776, MeSH D061325, MONDO:0003582. Disease mechanism: loss of function.
Hereditary cancer-predisposing syndrome. Also called: Neoplastic Syndromes, Hereditary; Hereditary Cancer Syndrome; Hereditary neoplastic syndrome; Tumor predisposition. Identifiers: Orphanet 140162, MedGen C0027672, MeSH D009386, MONDO:0015356.

Submissions (3):

University of Washington Department of Laboratory Medicine, University of Washington
Classification: Likely benign for Hereditary cancer-predisposing syndrome. Last evaluated: 2023-03-23. Review status: criteria provided, single submitter. Criteria: Dines et al. (Genet Med. 2020). Collection method: curation. Allele origin: germline.
Comment: Missense variant in a coldspot region where missense variants are very unlikely to be pathogenic (PMID:31911673).

BRCA2 exon 11 coldspot. Reclassification based on statistical prior probability.

Labcorp Genetics (formerly Invitae), Labcorp
Classification: Uncertain significance for Hereditary breast ovarian cancer syndrome. Last evaluated: 2022-01-24. Review status: criteria provided, single submitter. Criteria: Invitae Variant Classification Sherloc (09022015). Collection method: clinical testing. Allele origin: germline.
Comment: Advanced modeling of protein sequence and biophysical properties (such as structural, functional, and spatial information, amino acid conservation, physicochemical variation, residue mobility, and thermodynamic stability) performed at Invitae indicates that this missense variant is not expected to disrupt BRCA2 protein function. In summary, the available evidence is currently insufficient to determine the role of this variant in disease. Therefore, it has been classified as a Variant of Uncertain Significance. ClinVar contains an entry for this variant (Variation ID: 479301). This variant has not been reported in the literature in individuals affected with BRCA2-related conditions. This variant is not present in population databases (gnomAD no frequency). This sequence change replaces glutamic acid, which is acidic and polar, with alanine, which is neutral and non-polar, at codon 747 of the BRCA2 protein (p.Glu747Ala).

Ambry Genetics
Classification: Uncertain significance for Hereditary cancer-predisposing syndrome. Last evaluated: 2016-03-02. Review status: criteria provided, single submitter. Criteria: Ambry Variant Classification Scheme 2023. Collection method: clinical testing. Allele origin: germline.
Comment: The p.E747A variant (also known as c.2240A>C), located in coding exon 10 of the BRCA2 gene, results from an A to C substitution at nucleotide position 2240. The glutamic acid at codon 747 is replaced by alanine, an amino acid with dissimilar properties. This variant was not reported in population based cohorts in the following databases: Database of Single Nucleotide Polymorphisms (dbSNP), NHLBI Exome Sequencing Project (ESP), and 1000 Genomes Project. In the ESP, this variant was not observed in 6503 samples (13006 alleles) with coverage at this position. To date, this alteration has been detected with an allele frequency of approximately 0.0004% (greater than 225000 alleles tested) in our clinical cohort. This amino acid position is not well conserved in available vertebrate species. In addition, the in silico prediction for this alteration is inconclusive. Since supporting evidence is limited at this time, the clinical significance of this alteration remains unclear.